The following is an entry in ClinVar:

NM_002742.3(PRKD1):c.1783G>A (p.Gly595Arg)

Gene: PRKD1 (protein kinase D1; minus strand). Cytogenetic location: 14q12.
Variant type: single nucleotide variant.
Coding change: c.1783G>A on transcript NM_002742.3 (MANE Select); coding-DNA position 1783, G replaced by A.
Protein change: p.Gly595Arg; replaces glycine 595 with arginine.
Molecular consequence: missense variant.
Genome position (GRCh38, 1-based): chr14:29,626,499, C>T on the plus strand (G>A on the coding strand, the complement: PRKD1 is on the minus strand). VCF-style: chr14-29626499-C-T. GRCh37 (hg19) VCF-style: chr14-30095705-C-T.
Other names: c.1807G>A, p.Gly603Arg (NM_001330069.2); c.1519G>A, p.Gly507Arg (NM_001348390.1); short protein forms G507R, G595R, G603R.
Identifiers: ClinVar variation 4819140 (VCV004819140.1).

ClinVar aggregate classification (germline): Likely pathogenic (1 of 4 stars; one submission).

Conditions:
Congenital heart defects and ectodermal dysplasia (CHDED). Identifiers: MedGen C4479250, MONDO:0044303, OMIM 617364.

Submission:

Institute of Human Genetics, University of Leipzig Medical Center
Classification: Likely pathogenic for Congenital heart defects and ectodermal dysplasia. Last evaluated: 2026-01-20. Review status: criteria provided, single submitter. Criteria: ACMG Guidelines, 2015. Collection method: clinical testing. Allele origin: de novo. Inheritance: Autosomal dominant inheritance. Affected: yes.
Comment: Criteria applied: PS2_MOD,PM2,PM1_SUP,PP3; Variant occured as 50% mosaic and was hence considered as de novo variant